The following is an entry in ClinVar:

NM_000368.5(TSC1):c.2073_2074delinsTT (p.Arg692Ter)

Gene: TSC1 (TSC complex subunit 1; minus strand). Cytogenetic location: 9q34.13.
Variant type: Indel.
Coding change: c.2073_2074delinsTT on transcript NM_000368.5 (MANE Select); coding-DNA positions 2073 to 2074, CC replaced by TT.
Protein change: p.Arg692Ter; replaces arginine 692 with a stop codon.
Molecular consequence: nonsense.
Genome position (GRCh38, 1-based): chr9:132,903,785-132,903,786, GG replaced by AA on the plus strand (CC replaced by TT on the coding strand, the reverse complement: TSC1 is on the minus strand). VCF-style: chr9-132903785-GG-AA. GRCh37 (hg19) VCF-style: chr9-135779172-GG-AA.
Other names: c.2073_2074delCCinsTT, p.Arg692Ter (NM_001406605.1, NM_001406606.1, NM_001406607.1 and 5 more transcripts); c.2070_2071delCCinsTT, p.Arg691Ter (NM_001406608.1, NM_001406609.1, NM_001406597.1 and 3 more transcripts); c.1920_1921delCCinsTT, p.Arg641Ter (NM_001406610.1); c.1917_1918delCCinsTT, p.Arg640Ter (NM_001406611.1, NM_001406612.1, NM_001406613.1); c.1710_1711delCCinsTT, p.Arg571Ter (NM_001406614.1, NM_001406615.1, NM_001406616.1 and 4 more transcripts); c.1707_1708delCCinsTT, p.Arg570Ter (NM_001406620.1, NM_001406621.1, NM_001406622.1 and 2 more transcripts); c.1122_1123delCCinsTT, p.Arg375Ter (NM_001406626.1); c.1119_1120delCCinsTT, p.Arg374Ter (NM_001406627.1, NM_001406628.1); and 6 more; short protein forms R341*, R374*, R375*, R570*, R571*, R640*, R641*, R686*.
Identifiers: ClinVar variation 2431329 (VCV002431329.1), dbSNP rs2538659131, ClinGen allele CA2580080157.

ClinVar aggregate classification (germline): Pathogenic (1 of 4 stars; one submission).

Conditions:
Tuberous sclerosis 1 (TSC1). Identifiers: Orphanet 805, MedGen C1854465, MONDO:0008612, OMIM 191100.

Submission:

Myriad Genetics, Inc.
Classification: Pathogenic for Tuberous sclerosis 1. Last evaluated: 2023-01-17. Review status: criteria provided, single submitter. Criteria: Myriad Autosomal Dominant, Autosomal Recessive and X-Linked Classification Criteria (2023). Collection method: clinical testing. Allele origin: unknown.
Comment: This variant is considered pathogenic. This variant creates a termination codon and is predicted to result in premature protein truncation.